The following is an entry in ClinVar:

NM_015450.3(POT1):c.1417G>A (p.Val473Ile)

Gene: POT1 (protection of telomeres 1; minus strand). Cytogenetic location: 7q31.33.
Variant type: single nucleotide variant.
Coding change: c.1417G>A on transcript NM_015450.3 (MANE Select); coding-DNA position 1417, G replaced by A.
Protein change: p.Val473Ile; replaces valine 473 with isoleucine.
Molecular consequence: missense variant. On other transcripts: non-coding transcript variant (3).
Genome position (GRCh38, 1-based): chr7:124,835,367, C>T on the plus strand (G>A on the coding strand, the complement: POT1 is on the minus strand). VCF-style: chr7-124835367-C-T. GRCh37 (hg19) VCF-style: chr7-124475421-C-T.
Other names: c.1417G>A (NM_015450.2); c.1024G>A, p.Val342Ile (NM_001042594.2); short protein forms V342I, V473I.
Identifiers: ClinVar variation 1716654 (VCV001716654.4), dbSNP rs2485374592, ClinGen allele CA369065800.

ClinVar aggregate classification (germline): Uncertain significance. Review status: criteria provided, multiple submitters, no conflicts (2 of 4 stars). 2 submissions from 2 submitters: Uncertain significance (2). Last evaluated 2023-02-15.

Conditions:
Tumor predisposition syndrome 3 (TPDS3). Also called: Melanoma, cutaneous malignant, susceptibility to, 10; Glioma susceptibility 9; LONG TELOMERE SYNDROME, POT1-RELATED; POT1 Tumor Predisposition. Identifiers: Orphanet 618, MedGen C4014476, MONDO:0014368, OMIM 615848.
Hereditary cancer-predisposing syndrome. Also called: Hereditary Cancer Syndrome; Hereditary neoplastic syndrome; Neoplastic Syndromes, Hereditary; Tumor predisposition. Identifiers: Orphanet 140162, MedGen C0027672, MeSH D009386, MONDO:0015356.

Allele frequency attached by ClinVar (database versions not stated): gnomAD exomes below 0.00001.
gnomAD v4.1: 2 of 1,613,962 alleles (0.00012%); highest among the groups gnomAD compares: South Asian, 0.0011%; no homozygotes.

Submissions (2):

Ambry Genetics
Classification: Uncertain significance for Hereditary cancer-predisposing syndrome. Last evaluated: 2023-02-15. Review status: criteria provided, single submitter. Criteria: Ambry Variant Classification Scheme 2023. Collection method: clinical testing. Allele origin: germline.
Comment: The p.V473I variant (also known as c.1417G>A), located in coding exon 11 of the POT1 gene, results from a G to A substitution at nucleotide position 1417. The valine at codon 473 is replaced by isoleucine, an amino acid with highly similar properties. This amino acid position is conserved. In addition, this alteration is predicted to be tolerated by in silico analysis. Since supporting evidence is limited at this time, the clinical significance of this alteration remains unclear.

Labcorp Genetics (formerly Invitae), Labcorp
Classification: Uncertain significance for Tumor predisposition syndrome 3. Last evaluated: 2022-08-18. Review status: criteria provided, single submitter. Criteria: Invitae Variant Classification Sherloc (09022015). Collection method: clinical testing. Allele origin: germline.
Comment: This sequence change replaces valine, which is neutral and non-polar, with isoleucine, which is neutral and non-polar, at codon 473 of the POT1 protein (p.Val473Ile). This variant is not present in population databases (gnomAD no frequency). This variant has not been reported in the literature in individuals affected with POT1-related conditions. Algorithms developed to predict the effect of missense changes on protein structure and function output the following: SIFT: "Tolerated"; PolyPhen-2: "Benign"; Align-GVGD: "Class C0". The isoleucine amino acid residue is found in multiple mammalian species, which suggests that this missense change does not adversely affect protein function. In summary, the available evidence is currently insufficient to determine the role of this variant in disease. Therefore, it has been classified as a Variant of Uncertain Significance.